The following is an entry in ClinVar:

ClinVar aggregate classification (germline): Likely benign. Review status: criteria provided, multiple submitters, no conflicts (2 of 4 stars). 2 submissions from 2 submitters: Likely benign (2). Last evaluated 2026-07-07.

Conditions:
Rhabdoid tumor predisposition syndrome 2 (RTPS2). Identifiers: Orphanet 231108, Orphanet 69077, MedGen C2750074, MONDO:0013224, OMIM 613325.

Submissions (2):

Myriad Genetics, Inc.
Classification: Likely benign for Rhabdoid tumor predisposition syndrome 2. Last evaluated: 2026-07-07. Review status: criteria provided, single submitter. Criteria: Myriad Autosomal Dominant, Autosomal Recessive and X-Linked Classification Criteria (2023). Collection method: clinical testing. Allele origin: unknown.
Comment: This variant is considered likely benign. This variant is intronic and is not expected to impact mRNA splicing.

Labcorp Genetics (formerly Invitae), Labcorp
Classification: Likely benign for Rhabdoid tumor predisposition syndrome 2. Last evaluated: 2026-01-16. Review status: criteria provided, single submitter. Criteria: Invitae Variant Classification Sherloc (09022015). Collection method: clinical testing. Allele origin: germline.

NM_003072.5(SMARCA4):c.2123+8G>A

Gene: SMARCA4 (SWI/SNF related BAF chromatin remodeling complex subunit ATPase 4; plus strand). Cytogenetic location: 19p13.2.
Variant type: single nucleotide variant.
Coding change: c.2123+8G>A on transcript NM_003072.5 (MANE Select); 8 bases into the intron after coding-DNA position 2123, G replaced by A.
Molecular consequence: intron variant.
Genome position (GRCh38, 1-based): chr19:11,008,031, G>A. VCF-style: chr19-11008031-G-A. GRCh37 (hg19) VCF-style: chr19-11118707-G-A.
Other names: c.2123+8G>A (NM_001128844.3, NM_001128849.3, NM_001128847.4 and 5 more transcripts).
Identifiers: ClinVar variation 1143981 (VCV001143981.10), dbSNP rs2146194533, ClinGen allele CA2499225277.